The following is an entry in ClinVar:

NM_000494.4(COL17A1):c.4028C>T (p.Pro1343Leu)

Gene: COL17A1 (collagen type XVII alpha 1 chain; minus strand). Cytogenetic location: 10q25.1.
Variant type: single nucleotide variant.
Coding change: c.4028C>T on transcript NM_000494.4 (MANE Select); coding-DNA position 4028, C replaced by T.
Protein change: p.Pro1343Leu; replaces proline 1343 with leucine.
Molecular consequence: missense variant.
Genome position (GRCh38, 1-based): chr10:104,034,073, G>A on the plus strand (C>T on the coding strand, the complement: COL17A1 is on the minus strand). VCF-style: chr10-104034073-G-A. GRCh37 (hg19) VCF-style: chr10-105793831-G-A.
Other names: short protein forms P1343L.
Identifiers: ClinVar variation 787081 (VCV000787081.13), dbSNP rs61731087, ClinGen allele CA5677734.

ClinVar aggregate classification (germline): Benign. Review status: criteria provided, multiple submitters, no conflicts (2 of 4 stars). 3 submissions from 3 submitters: Benign (3). Last evaluated 2026-01-28.

Conditions:
Junctional epidermolysis bullosa, non-Herlitz type. Also called: Adult junctional epidermolysis bullosa; EPIDERMOLYSIS BULLOSA, JUNCTIONAL 1A, INTERMEDIATE; COL17A1-Related Junctional Epidermolysis Bullosa; Epidermolysis bullosa, junctional, non-herlitz type, somatic mosaic revertant; EPIDERMOLYSIS BULLOSA JUNCTIONALIS, DISENTIS TYPE; EPIDERMOLYSIS BULLOSA JUNCTIONALIS, NON-HERLITZ TYPE. Identifiers: Orphanet 251393, Orphanet 79402, Orphanet 79405, Orphanet 89840, MedGen C0268374, MONDO:0009180, OMIM 226650.

Allele frequency attached by ClinVar (database versions not stated): gnomAD exomes 0.00149 and 0.00051; ExAC 0.00186; gnomAD 0.00559 and 0.00595; TOPMed 0.00598; 1000 Genomes Project 0.00659; 1000 Genomes Project 30x 0.00671; ESP Exome Variant Server 0.00723.
gnomAD v4.1: 1,645 of 1,614,096 alleles (0.1%); highest among the groups gnomAD compares: African/African-American, 2%; 21 homozygotes.

Submissions (3):

Labcorp Genetics (formerly Invitae), Labcorp
Classification: Benign. Last evaluated: 2026-01-28. Review status: criteria provided, single submitter. Criteria: Invitae Variant Classification Sherloc (09022015). Collection method: clinical testing. Allele origin: germline.

Illumina Laboratory Services, Illumina
Classification: Benign for Junctional epidermolysis bullosa, non-Herlitz type. Last evaluated: 2018-01-12. Review status: criteria provided, single submitter. Criteria: ICSL Variant Classification Criteria 13 December 2019. Collection method: clinical testing. Allele origin: germline.
Comment: This variant was observed in the ICSL laboratory as part of a predisposition screen in an ostensibly healthy population. It had not been previously curated by ICSL or reported in the Human Gene Mutation Database (HGMD: prior to June 1st, 2018), and was therefore a candidate for classification through an automated scoring system. Utilizing variant allele frequency, disease prevalence and penetrance estimates, and inheritance mode, an automated score was calculated to assess if this variant is too frequent to cause the disease. Based on the score and internal cut-off values, a variant classified as benign is not then subjected to further curation. The score for this variant resulted in a classification of benign for this disease.

Breakthrough Genomics
Classification: Benign. Review status: criteria provided, single submitter. Criteria: ACMG Guidelines, 2015. Collection method: not provided. Allele origin: germline. Inheritance: Autosomal recessive inheritance. Affected: yes.